The following is an entry in ClinVar:

NM_203446.3(SYNJ1):c.3004G>C (p.Asp1002His)

Gene: SYNJ1 (synaptojanin 1; minus strand). Cytogenetic location: 21q22.11.
Variant type: single nucleotide variant.
Coding change: c.3004G>C on transcript NM_203446.3 (MANE Select); coding-DNA position 3004, G replaced by C.
Protein change: p.Asp1002His; replaces aspartic acid 1002 with histidine.
Molecular consequence: missense variant.
Genome position (GRCh38, 1-based): chr21:32,650,217, C>G on the plus strand (G>C on the coding strand, the complement: SYNJ1 is on the minus strand). VCF-style: chr21-32650217-C-G. GRCh37 (hg19) VCF-style: chr21-34022527-C-G.
Other names: c.3004G>C, p.Asp1002His (NM_001160302.2); c.2989G>C, p.Asp997His (NM_001160306.2); c.3121G>C, p.Asp1041His (NM_003895.4); short protein forms D997H, D1002H, D1041H.
Identifiers: ClinVar variation 1450354 (VCV001450354.5), dbSNP rs772671612, ClinGen allele CA10003531.
Genomic context (GRCh38, chr21:32,650,217, plus strand): 5'-AGAAGTAAATGTGTTTAAGAAACAAACCTTCCATATCAAAATCTGCTGCAACCTCTGCAT[C>G]TTCACCAAGCAGGGTAGAGCTTGTTGATGATGGCAATGCAATGCTAATTTTCTCTAAACT-3'
Protein context (NP_982271.3, residues 992-1012): SSTSSTLLGE[Asp1002His]AEVAADFDME

ClinVar aggregate classification (germline): Uncertain significance (1 of 4 stars; one submission).

Conditions:
Developmental and epileptic encephalopathy, 53. Also called: Epileptic encephalopathy, early infantile, 53. Identifiers: MedGen C4479313, MONDO:0033362, OMIM 617389.
Early-onset Parkinson disease 20. Also called: PARKINSON DISEASE 20, AUTOSOMAL RECESSIVE EARLY-ONSET. Identifiers: Orphanet 391411, MedGen C3809824, MONDO:0014233, OMIM 615530.

Allele frequency attached by ClinVar (database versions not stated): gnomAD exomes below 0.00001; ExAC 0.00001; gnomAD 0.00001; TOPMed 0.00001.
gnomAD v4.1: 2 of 1,609,712 alleles (0.00012%); highest among the groups gnomAD compares: East Asian, 0.0022%; no homozygotes.

Submission:

Labcorp Genetics (formerly Invitae), Labcorp
Classification: Uncertain significance for Developmental and epileptic encephalopathy, 53; Early-onset Parkinson disease 20. Last evaluated: 2024-04-05. Review status: criteria provided, single submitter. Criteria: Invitae Variant Classification Sherloc (09022015). Collection method: clinical testing. Allele origin: germline.
Comment: This sequence change replaces aspartic acid, which is acidic and polar, with histidine, which is basic and polar, at codon 1041 of the SYNJ1 protein (p.Asp1041His). This variant is present in population databases (rs772671612, gnomAD no frequency). This variant has not been reported in the literature in individuals affected with SYNJ1-related conditions. ClinVar contains an entry for this variant (Variation ID: 1450354). Advanced modeling of protein sequence and biophysical properties (such as structural, functional, and spatial information, amino acid conservation, physicochemical variation, residue mobility, and thermodynamic stability) performed at Invitae indicates that this missense variant is expected to disrupt SYNJ1 protein function with a positive predictive value of 80%. In summary, the available evidence is currently insufficient to determine the role of this variant in disease. Therefore, it has been classified as a Variant of Uncertain Significance.